The following is an entry in ClinVar:

ClinVar aggregate classification (germline): Likely benign (0 of 4 stars; one submission).

Conditions:
ADGRG4-related disorder. Also called: ADGRG4-related condition.

Allele frequency attached by ClinVar (database versions not stated): TOPMed 0.00002; gnomAD 0.00004; gnomAD exomes 0.00009; ExAC 0.00011.
gnomAD v4.1: 105 of 1,186,534 alleles (0.0088%); highest among the groups gnomAD compares: South Asian, 0.17%; no homozygotes.

Submission:

PreventionGenetics, part of Exact Sciences
Classification: Likely benign for ADGRG4-related condition. Last evaluated: 2021-07-29. Review status: no assertion criteria provided. Collection method: clinical testing. Allele origin: germline.
Comment: This variant is classified as likely benign based on ACMG/AMP sequence variant interpretation guidelines (Richards et al. 2015 PMID: 25741868, with internal and published modifications).

NM_153834.4(ADGRG4):c.758C>A (p.Ser253Tyr)

Gene: ADGRG4 (adhesion G protein-coupled receptor G4; plus strand). Cytogenetic location: Xq26.3.
Variant type: single nucleotide variant.
Coding change: c.758C>A on transcript NM_153834.4 (MANE Select); coding-DNA position 758, C replaced by A.
Protein change: p.Ser253Tyr; replaces serine 253 with tyrosine.
Molecular consequence: missense variant.
Genome position (GRCh38, 1-based): chrX:136,344,464, C>A. VCF-style: chrX-136344464-C-A. GRCh37 (hg19) VCF-style: chrX-135426623-C-A.
Other names: short protein forms S253Y.
Identifiers: ClinVar variation 3051572 (VCV003051572.2), dbSNP rs747347620, ClinGen allele CA10525961.